The following is an entry in ClinVar:

NM_000265.7(NCF1):c.604C>T (p.Arg202Ter)

Genes: NCF1 (neutrophil cytosolic factor 1; plus strand), LOC106029312 (Williams-Beuren syndrome medial block B recombination region; plus strand). Cytogenetic location: 7q11.23.
Variant type: single nucleotide variant.
Coding change: c.604C>T on transcript NM_000265.7 (MANE Select); coding-DNA position 604, C replaced by T.
Protein change: p.Arg202Ter; replaces arginine 202 with a stop codon.
Molecular consequence: nonsense.
Genome position (GRCh38, 1-based): chr7:74,783,554, C>T. VCF-style: chr7-74783554-C-T. GRCh37 (hg19) VCF-style: chr7-74197897-C-T.
Other names: short protein forms R202*.
Identifiers: ClinVar variation 3895507 (VCV003895507.2).

ClinVar aggregate classification (germline): Pathogenic/Likely pathogenic. Review status: criteria provided, multiple submitters, no conflicts (2 of 4 stars). 2 submissions from 2 submitters: Pathogenic (1); Likely pathogenic (1). Last evaluated 2025-09-19.

Conditions:
Granulomatous disease, chronic, autosomal recessive, cytochrome b-positive, type 2. Also called: GRANULOMATOUS DISEASE, CHRONIC, AUTOSOMAL RECESSIVE, 2; Chronic granulomatous disease due to deficiency of NCF-2; Chronic Granulomatous Disease, Autosomal Recessive, Cytochrome b-Positive, Type II; CGD, AUTOSOMAL RECESSIVE CYTOCHROME b-POSITIVE, TYPE II; GRANULOMATOUS DISEASE, CHRONIC, DUE TO NCF2 DEFICIENCY. Identifiers: Orphanet 379, MedGen C1856245, MONDO:0009310, OMIM 233710.
Granulomatous disease, chronic, autosomal recessive, cytochrome b-positive, type 1. Also called: Chronic granulomatous disease 1, autosomal recessive; Chronic granulomatous disease due to deficiency of NCF-1; Chronic Granulomatous Disease, Autosomal Recessive, Cytochrome b-Positive, Type I; CGD, AUTOSOMAL RECESSIVE CYTOCHROME b-POSITIVE, TYPE I; GRANULOMATOUS DISEASE, CHRONIC, DUE TO NCF1 DEFICIENCY. Identifiers: Orphanet 379, MedGen C1856251, MONDO:0009309, OMIM 233700.

Submissions (2):

3billion
Classification: Pathogenic for Granulomatous disease, chronic, autosomal recessive, cytochrome b-positive, type 1. Last evaluated: 2025-09-19. Review status: criteria provided, single submitter. Criteria: ACMG Guidelines, 2015. Collection method: clinical testing. Allele origin: germline. Affected: yes.
Comment: The variant is observed at an extremely low frequency in the gnomAD v4.1.0 dataset (total allele frequency: <0.001%). Predicted Consequence/Location: Stop-gained (nonsense): predicted to result in a loss or disruption of normal protein function through nonsense-mediated decay (NMD) or protein truncation. Multiple pathogenic variants are reported downstream of the variant. The variant has been reported to be associated with NCF1-related disorder (ClinVar ID: VCV003895507 /PMID: 18546332). Therefore, this variant is classified as Pathogenic according to the recommendation of ACMG/AMP guideline.

Neuberg Centre For Genomic Medicine, NCGM
Classification: Likely pathogenic for Granulomatous disease, chronic, autosomal recessive, cytochrome b-positive, type 2. Last evaluated: 2024-02-01. Review status: criteria provided, single submitter. Criteria: ACMG Guidelines, 2015. Collection method: clinical testing. Allele origin: germline. Inheritance: Autosomal recessive inheritance. Affected: yes.
Comment: The above variant has been reported in compound heterozygous state in an individual affected with Chronic Granulomatous Disease (Kannengiesser C, et al., 2008). Western Blot analysis of this variant along with another variant p.Tyr226Stop showed effect on protein function of this gene (Kannengiesser C, et al., 2008). This variant is predicted to cause loss of normal protein function through protein truncation. Loss of function variants in this gene have been previously reported to be disease causing. However, additional evidence is required to prove the pathogenicity of this variant.

Literature cited by the submitters: PubMed 18546332 (cited by 3billion).